The following is an entry in ClinVar:

NM_012301.4(MAGI2):c.3213G>A (p.Ser1071=)

Gene: MAGI2 (membrane associated guanylate kinase, WW and PDZ domain containing 2; minus strand). Cytogenetic location: 7q21.11.
Variant type: single nucleotide variant.
Coding change: c.3213G>A on transcript NM_012301.4 (MANE Select); coding-DNA position 3213, G replaced by A.
Protein change: p.Ser1071=; no amino-acid change (serine 1071 retained).
Molecular consequence: synonymous variant.
Genome position (GRCh38, 1-based): chr7:78,127,407, C>T on the plus strand (G>A on the coding strand, the complement: MAGI2 is on the minus strand). VCF-style: chr7-78127407-C-T. GRCh37 (hg19) VCF-style: chr7-77756724-C-T.
Other names: p.Ser1071=; c.3171G>A, p.Ser1057= (NM_001301128.2).
Identifiers: ClinVar variation 129564 (VCV000129564.24), dbSNP rs7812015, ClinGen allele CA153640.

ClinVar aggregate classification (germline): Benign. Review status: criteria provided, multiple submitters, no conflicts (2 of 4 stars). 9 submissions from 9 submitters: Benign (8). 1 of the submissions does not count toward it. Last evaluated 2026-02-04.

Conditions:
Nephrotic syndrome 15. Identifiers: MedGen C4539896, MONDO:0033262, OMIM 617609.

Allele frequency attached by ClinVar (database versions not stated): 1000 Genomes Project 0.78634; 1000 Genomes Project 30x 0.79029; gnomAD exomes 0.81350 and 0.85730; ExAC 0.82440; TOPMed 0.84973; gnomAD 0.85785 and 0.86488; ESP Exome Variant Server 0.88398.
gnomAD v4.1: 1,371,893 of 1,601,268 alleles (86%); highest among the groups gnomAD compares: African/African-American, 91%; 591,156 homozygotes.

Submissions (11):

Labcorp Genetics (formerly Invitae), Labcorp
Classification: Benign. Last evaluated: 2026-02-04. Review status: criteria provided, single submitter. Criteria: Invitae Variant Classification Sherloc (09022015). Collection method: clinical testing. Allele origin: germline.

Blueprint Genetics
Classification: Benign. Last evaluated: 2024-11-27. Review status: criteria provided, single submitter. Criteria: ACMG Guidelines, 2015. Collection method: clinical testing. Allele origin: germline.

Unidad de Genómica Garrahan, Hospital de Pediatría Garrahan
Classification: Benign. Last evaluated: 2024-07-15. Review status: criteria provided, single submitter. Criteria: ACMG Guidelines, 2015. Collection method: clinical testing. Allele origin: germline. Affected: no. Observed: 86 variant alleles.
Comment: This variant is classified as Benign based on local population frequency. This variant was detected in 92% of patients studied in a panel designed for Epileptic and Developmental Encephalopathy and Progressive Myoclonus Epilepsy. Number of patients: 86. Only high quality variants are reported.

Mayo Clinic Laboratories, Mayo Clinic
Classification: Benign. Last evaluated: 2022-03-09. Review status: criteria provided, single submitter. Criteria: ACMG Guidelines, 2015. Collection method: clinical testing. Allele origin: germline. Observed: 147 variant alleles.

Genome-Nilou Lab
Classification: Benign for Nephrotic syndrome 15. Last evaluated: 2021-09-05. Review status: criteria provided, single submitter. Criteria: ACMG Guidelines, 2015. Collection method: clinical testing. Allele origin: germline. Affected: no.

GeneDx
Classification: Benign. Last evaluated: 2019-08-20. Review status: criteria provided, single submitter. Criteria: GeneDx Variant Classification Process June 2021. Collection method: clinical testing. Allele origin: germline. Affected: yes.

Athena Diagnostics
Classification: Benign. Last evaluated: 2017-04-20. Review status: criteria provided, single submitter. Criteria: Athena Diagnostics Criteria. Collection method: clinical testing. Allele origin: germline.

Breakthrough Genomics
Classification: Benign. Review status: criteria provided, single submitter. Criteria: ACMG Guidelines, 2015. Collection method: not provided. Allele origin: germline. Inheritance: Autosomal recessive inheritance. Affected: yes.

Dr. Peter K. Rogan Lab, Western University
No classification provided (evidence only). Condition: Adrenocortical carcinoma, hereditary. Review status: no classification provided. Collection method: in vitro. Allele origin: not applicable. Functional consequence: retained intron. Not counted in ClinVar's aggregate classification.

Dr. Peter K. Rogan Lab, Western University
No classification provided (evidence only). Condition: Adrenocortical carcinoma, hereditary. Review status: no classification provided. Collection method: in vitro. Allele origin: not applicable. Functional consequence: retained intron. Not counted in ClinVar's aggregate classification.

Genetic Services Laboratory, University of Chicago
Classification: Likely benign for AllHighlyPenetrant. Review status: no assertion criteria provided. Collection method: clinical testing. Allele origin: germline. Inheritance: Autosomal dominant inheritance. Not counted in ClinVar's aggregate classification.
Comment: Likely benign based on allele frequency in 1000 Genomes Project or ESP global frequency and its presence in a patient with a rare or unrelated disease phenotype. NOT Sanger confirmed.